The following is an entry in ClinVar:

NM_033305.3(VPS13A):c.8324A>T (p.Lys2775Met)

Gene: VPS13A (vacuolar protein sorting 13 homolog A; plus strand). Cytogenetic location: 9q21.2.
Variant type: single nucleotide variant.
Coding change: c.8324A>T on transcript NM_033305.3 (MANE Select); coding-DNA position 8324, A replaced by T.
Protein change: p.Lys2775Met; replaces lysine 2775 with methionine.
Molecular consequence: missense variant.
Genome position (GRCh38, 1-based): chr9:77,365,572, A>T. VCF-style: chr9-77365572-A-T. GRCh37 (hg19) VCF-style: chr9-79980488-A-T.
Other names: c.8207A>T, p.Lys2736Met (NM_001018037.2); c.8324A>T, p.Lys2775Met (NM_001018038.3, NM_015186.4); c.8324A>T (NM_033305.2); short protein forms K2736M, K2775M.
Identifiers: ClinVar variation 1347870 (VCV001347870.7), dbSNP rs760798467, ClinGen allele CA5093598.
Genomic context (GRCh38, chr9:77,365,572, plus strand): 5'-CCTCATTAGTAGATCAATCACAAGTCAGCCTCTATGAATATTTTCATATATCTCCTATCA[A>T]GGTAGGAGAAAGTCATTTTTATTGTCCTTGATAATCTAGGTAATAGCAAATTGATGTAGC-3'
Protein context (NP_150648.2, residues 2765-2785): LYEYFHISPI[Lys2775Met]LHLSVSLSSG

ClinVar aggregate classification (germline): Conflicting classifications of pathogenicity. Review status: criteria provided, conflicting classifications (1 of 4 stars). 3 submissions from 3 submitters: Uncertain significance (2); Likely benign (1). Last evaluated 2024-09-20.

Conditions:
VPS13A-related neurodegenerative disease. Also called: VPS13A Disease; LEVINE-CRITCHLEY SYNDROME; Choreoacanthocytosis; Chorea-acanthocytosis; ACANTHOCYTOSIS WITH NEUROLOGIC DISORDER; Choreaacanthocytosis. Identifiers: Orphanet 2388, MedGen C0393576, MONDO:0008695, OMIM 200150.
Inborn genetic diseases. Identifiers: MedGen C0950123, MeSH D030342.

Allele frequency attached by ClinVar (database versions not stated): gnomAD exomes 0.00010 and 0.00006; ExAC 0.00014; TOPMed below 0.00001; gnomAD 0.00001 and 0.00002.
gnomAD v4.1: 83 of 1,580,920 alleles (0.0053%); highest among the groups gnomAD compares: South Asian, 0.072%; no homozygotes.

Submissions (3):

3billion
Classification: Likely benign for VPS13A-related neurodegenerative disease. Last evaluated: 2024-09-20. Review status: criteria provided, single submitter. Criteria: ACMG Guidelines, 2015. Collection method: clinical testing. Allele origin: germline. Affected: no.
Comment: The homozygous variant was found in patients diagnosed with another variant in a different gene, with no symptoms related to the gene containing the homozygous variant.

Ambry Genetics
Classification: Uncertain significance for Inborn genetic diseases. Last evaluated: 2021-11-08. Review status: criteria provided, single submitter. Criteria: Ambry Variant Classification Scheme 2023. Collection method: clinical testing. Allele origin: germline.

Labcorp Genetics (formerly Invitae), Labcorp
Classification: Uncertain significance. Last evaluated: 2021-09-24. Review status: criteria provided, single submitter. Criteria: Invitae Variant Classification Sherloc (09022015). Collection method: clinical testing. Allele origin: germline.
Comment: This sequence change replaces lysine with methionine at codon 2775 of the VPS13A protein (p.Lys2775Met). The lysine residue is moderately conserved and there is a moderate physicochemical difference between lysine and methionine. This variant is present in population databases (rs760798467, ExAC 0.09%), including at least one homozygous and/or hemizygous individual. This variant has not been reported in the literature in individuals with VPS13A-related conditions. Algorithms developed to predict the effect of missense changes on protein structure and function are either unavailable or do not agree on the potential impact of this missense change (SIFT: "Tolerated"; PolyPhen-2: "Probably Damaging"; Align-GVGD: "Class C0"). Algorithms developed to predict the effect of sequence changes on RNA splicing suggest that this variant may disrupt the consensus splice site, but this prediction has not been confirmed by published transcriptional studies. In summary, the available evidence is currently insufficient to determine the role of this variant in disease. Therefore, it has been classified as a Variant of Uncertain Significance.